The following is an entry in ClinVar:

ClinVar aggregate classification (germline): Benign/Likely benign. Review status: criteria provided, multiple submitters, no conflicts (2 of 4 stars). 7 submissions from 7 submitters: Benign (4); Likely benign (3). Last evaluated 2026-07-15.

Conditions:
Hereditary cancer-predisposing syndrome. Also called: Hereditary Cancer Syndrome; Hereditary neoplastic syndrome; Neoplastic Syndromes, Hereditary; Tumor predisposition. Identifiers: Orphanet 140162, MedGen C0027672, MeSH D009386, MONDO:0015356.
Rhabdoid tumor predisposition syndrome 2 (RTPS2). Identifiers: Orphanet 231108, Orphanet 69077, MedGen C2750074, MONDO:0013224, OMIM 613325.
Intellectual disability, autosomal dominant 16 (CSS4). Also called: COFFIN-SIRIS SYNDROME 4. Identifiers: Orphanet 1465, MedGen C3553249, MONDO:0013821, OMIM 614609.

Allele frequency attached by ClinVar (database versions not stated): TOPMed 0.00005; ESP Exome Variant Server 0.00015; 1000 Genomes Project 30x 0.00016; 1000 Genomes Project 0.00020; ExAC 0.00090; gnomAD 0.00100 and 0.00103.
gnomAD v4.1: 799 of 1,613,660 alleles (0.05%); highest among the groups gnomAD compares: East Asian, 0.0067%; 7 homozygotes.

Submissions (7):

Myriad Genetics, Inc.
Classification: Benign for Rhabdoid tumor predisposition syndrome 2. Last evaluated: 2026-07-15. Review status: criteria provided, single submitter. Criteria: Myriad Autosomal Dominant, Autosomal Recessive and X-Linked Classification Criteria (2023). Collection method: clinical testing. Allele origin: unknown.
Comment: This variant is considered benign. This variant is a silent/synonymous amino acid change and it is not expected to impact splicing.

Labcorp Genetics (formerly Invitae), Labcorp
Classification: Benign for Rhabdoid tumor predisposition syndrome 2. Last evaluated: 2026-01-31. Review status: criteria provided, single submitter. Criteria: Invitae Variant Classification Sherloc (09022015). Collection method: clinical testing. Allele origin: germline.

CeGaT Center for Human Genetics Tuebingen
Classification: Likely benign. Last evaluated: 2026-01-01. Review status: criteria provided, single submitter. Criteria: CeGaT Center For Human Genetics Tuebingen Variant Classification Criteria Version 2. Collection method: clinical testing. Allele origin: germline. Affected: yes. Observed: 2 variant alleles.
Comment: SMARCA4: BP4, BP7

Blueprint Genetics
Classification: Likely benign. Last evaluated: 2024-11-20. Review status: criteria provided, single submitter. Criteria: ACMG Guidelines, 2015. Collection method: clinical testing. Allele origin: germline.

Quest Diagnostics Nichols Institute San Juan Capistrano
Classification: Benign. Last evaluated: 2023-01-30. Review status: criteria provided, single submitter. Criteria: Quest Diagnostics criteria. Collection method: clinical testing. Allele origin: unknown.

Genome-Nilou Lab
Classification: Benign for Intellectual disability, autosomal dominant 16. Last evaluated: 2021-07-15. Review status: criteria provided, single submitter. Criteria: ACMG Guidelines, 2015. Collection method: clinical testing. Allele origin: germline. Affected: no.

Ambry Genetics
Classification: Likely benign for Hereditary cancer-predisposing syndrome. Last evaluated: 2015-11-08. Review status: criteria provided, single submitter. Criteria: Ambry Variant Classification Scheme 2023. Collection method: clinical testing. Allele origin: germline.

NM_003072.5(SMARCA4):c.3891C>G (p.Pro1297=)

Gene: SMARCA4 (SWI/SNF related BAF chromatin remodeling complex subunit ATPase 4; plus strand). Cytogenetic location: 19p13.2.
Variant type: single nucleotide variant.
Coding change: c.3891C>G on transcript NM_003072.5 (MANE Select); coding-DNA position 3891, C replaced by G.
Protein change: p.Pro1297=; no amino-acid change (proline 1297 retained).
Molecular consequence: synonymous variant. On other transcripts: non-coding transcript variant (1).
Genome position (GRCh38, 1-based): chr19:11,034,140, C>G. VCF-style: chr19-11034140-C-G. GRCh37 (hg19) VCF-style: chr19-11144816-C-G.
Other names: c.3891C>G, p.Pro1297= (NM_001128844.3, NM_001128849.3, NM_001387283.1); c.3792C>G, p.Pro1264= (NM_001128845.2, NM_001128846.2, NM_001128847.4 and 2 more transcripts).
Identifiers: ClinVar variation 415086 (VCV000415086.34), dbSNP rs149562732, ClinGen allele CA9204557.
Genomic context (GRCh38, chr19:11,034,140, plus strand): 5'-CCCGGCCCCTCCTCAGCGGCACTGACAGTTTGCAATCTTATAGGAGGAAGACGAGGTGCC[C>G]GACGACGAGACCGTCAACCAGATGATCGCCCGGCACGAGGAGGAGTTTGATCTGTTCATG-3'
Protein context (NP_003063.2, residues 1287-1307): EPPLKEEDEV[Pro1297=]DDETVNQMIA